The following is an entry in ClinVar:

ClinVar aggregate classification (germline): Likely pathogenic (1 of 4 stars; one submission).

Conditions:
Pontocerebellar hypoplasia type 1A (PCH1A). Also called: PONTOCEREBELLAR HYPOPLASIA WITH ANTERIOR HORN CELL DISEASE; PONTOCEREBELLAR HYPOPLASIA WITH INFANTILE SPINAL MUSCULAR ATROPHY. Identifiers: Orphanet 2254, Orphanet 88616, MedGen C1843504, MONDO:0011866, OMIM 607596.

Allele frequency attached by ClinVar (database versions not stated): gnomAD exomes below 0.00001; ExAC 0.00001.
gnomAD v4.1: 4 of 1,546,624 alleles (0.00026%); highest among the groups gnomAD compares: Non-Finnish European, 0.00026%; no homozygotes.

Submission:

Labcorp Genetics (formerly Invitae), Labcorp
Classification: Likely pathogenic for Pontocerebellar hypoplasia type 1A. Last evaluated: 2023-07-24. Review status: criteria provided, single submitter. Criteria: Invitae Variant Classification Sherloc (09022015). Collection method: clinical testing. Allele origin: germline.
Comment: Algorithms developed to predict the effect of sequence changes on RNA splicing suggest that this variant may disrupt the consensus splice site. ClinVar contains an entry for this variant (Variation ID: 2122073). This variant has not been reported in the literature in individuals affected with VRK1-related conditions. This variant is present in population databases (rs774518440, gnomAD 0.001%). In summary, the currently available evidence indicates that the variant is pathogenic, but additional data are needed to prove that conclusively. Therefore, this variant has been classified as Likely Pathogenic. This sequence change affects a donor splice site in intron 3 of the VRK1 gene. It is expected to disrupt RNA splicing. Variants that disrupt the donor or acceptor splice site typically lead to a loss of protein function (PMID: 16199547), and loss-of-function variants in VRK1 are known to be pathogenic (PMID: 19646678, 24126608, 27281532).

Literature cited by the submitters: PubMed 16199547; PubMed 19646678; PubMed 24126608; PubMed 27281532.

NM_003384.3(VRK1):c.216+1G>A

Gene: VRK1 (VRK serine/threonine kinase 1; plus strand). Cytogenetic location: 14q32.2.
Variant type: single nucleotide variant.
Coding change: c.216+1G>A on transcript NM_003384.3 (MANE Select); the canonical splice donor site of the intron after coding-DNA position 216, G replaced by A.
Molecular consequence: splice donor variant.
Genome position (GRCh38, 1-based): chr14:96,837,818, G>A. VCF-style: chr14-96837818-G-A. GRCh37 (hg19) VCF-style: chr14-97304155-G-A.
Other names: c.216+1G>A (NM_001411051.1, NM_001411053.1).
Identifiers: ClinVar variation 2122073 (VCV002122073.4), dbSNP rs774518440, ClinGen allele CA7338882.